The following is an entry in ClinVar:

ClinVar aggregate classification (germline): Conflicting classifications of pathogenicity. Review status: criteria provided, conflicting classifications (1 of 4 stars). 5 submissions from 5 submitters: Uncertain significance (4); Likely benign (1). Last evaluated 2026-06-29.

Conditions:
COL9A3-related disorder. Also called: COL9A3-related condition.

Allele frequency attached by ClinVar (database versions not stated): ESP Exome Variant Server 0.00008; gnomAD 0.00012 and 0.00014; TOPMed 0.00012; gnomAD exomes 0.00017 and 0.00018; ExAC 0.00026.
gnomAD v4.1: 254 of 1,613,126 alleles (0.016%); highest among the groups gnomAD compares: Non-Finnish European, 0.021%; no homozygotes.

Submissions (5):

GeneDx
Classification: Uncertain significance. Last evaluated: 2026-06-29. Review status: criteria provided, single submitter. Criteria: GeneDx Variant Classification Process June 2021. Collection method: clinical testing. Allele origin: germline.
Comment: Observed in a patient referred for a connective tissue disorder at a commercial laboratory and in an individual with adolescent idiopathic scoliosis (PMID: 26566670, 35903967); In silico analysis suggests that this missense variant does not alter protein structure/function; This variant is associated with the following publications: (PMID: 26566670, 35903967)

PreventionGenetics, part of Exact Sciences
Classification: Uncertain significance for COL9A3-related condition. Last evaluated: 2026-02-14. Review status: criteria provided, single submitter. Criteria: ACMG Guidelines, 2015. Collection method: clinical testing. Allele origin: germline.
Comment: The COL9A3 c.331C>T variant is predicted to result in the amino acid substitution p.Pro111Ser. This variant has been reported in an individual with adolescent idiopathic scoliosis (Table S4, Haller et al. 2016. PubMed ID: 26566670). This variant is reported in 0.037% of alleles in individuals of European (Non-Finnish) descent in gnomAD. At this time, the clinical significance of this variant is uncertain due to the absence of conclusive functional and genetic evidence.

Labcorp Genetics (formerly Invitae), Labcorp
Classification: Likely benign. Last evaluated: 2026-01-28. Review status: criteria provided, single submitter. Criteria: Invitae Variant Classification Sherloc (09022015). Collection method: clinical testing. Allele origin: germline.

Blueprint Genetics
Classification: Uncertain significance. Last evaluated: 2024-10-28. Review status: criteria provided, single submitter. Criteria: ACMG Guidelines, 2015. Collection method: clinical testing. Allele origin: germline.

CeGaT Center for Human Genetics Tuebingen
Classification: Uncertain significance. Last evaluated: 2021-07-01. Review status: criteria provided, single submitter. Criteria: CeGaT Center For Human Genetics Tuebingen Variant Classification Criteria Version 2. Collection method: clinical testing. Allele origin: germline. Affected: yes. Observed: 1 variant allele.

NM_001853.4(COL9A3):c.331C>T (p.Pro111Ser)

Gene: COL9A3 (collagen type IX alpha 3 chain; plus strand). Cytogenetic location: 20q13.33.
Variant type: single nucleotide variant.
Coding change: c.331C>T on transcript NM_001853.4 (MANE Select); coding-DNA position 331, C replaced by T.
Protein change: p.Pro111Ser; replaces proline 111 with serine.
Molecular consequence: missense variant.
Genome position (GRCh38, 1-based): chr20:62,821,202, C>T. VCF-style: chr20-62821202-C-T. GRCh37 (hg19) VCF-style: chr20-61452554-C-T.
Other names: short protein forms P111S.
Identifiers: ClinVar variation 1298872 (VCV001298872.45), dbSNP rs374503994, ClinGen allele CA9949161.